The following is an entry in ClinVar:

NM_015932.6(POMP):c.226C>A (p.Pro76Thr)

Gene: POMP (proteasome maturation protein; plus strand). Cytogenetic location: 13q12.3.
Variant type: single nucleotide variant.
Coding change: c.226C>A on transcript NM_015932.6 (MANE Select); coding-DNA position 226, C replaced by A.
Protein change: p.Pro76Thr; replaces proline 76 with threonine.
Molecular consequence: missense variant.
Genome position (GRCh38, 1-based): chr13:28,668,536, C>A. VCF-style: chr13-28668536-C-A. GRCh37 (hg19) VCF-style: chr13-29242673-C-A.
Other names: short protein forms P76T.
Identifiers: ClinVar variation 1505681 (VCV001505681.8), dbSNP rs772222545, ClinGen allele CA387803469.

ClinVar aggregate classification (germline): Uncertain significance (1 of 4 stars; one submission).

Submission:

Labcorp Genetics (formerly Invitae), Labcorp
Classification: Uncertain significance. Last evaluated: 2025-12-01. Review status: criteria provided, single submitter. Criteria: Invitae Variant Classification Sherloc (09022015). Collection method: clinical testing. Allele origin: germline.
Comment: This sequence change replaces proline, which is neutral and non-polar, with threonine, which is neutral and polar, at codon 76 of the POMP protein (p.Pro76Thr). This variant is not present in population databases (gnomAD no frequency). This variant has not been reported in the literature in individuals affected with POMP-related conditions. ClinVar contains an entry for this variant (Variation ID: 1505681). An algorithm developed to predict the effect of missense changes on protein structure and function (PolyPhen-2) suggests that this variant is likely to be disruptive. In summary, the available evidence is currently insufficient to determine the role of this variant in disease. Therefore, it has been classified as a Variant of Uncertain Significance.